The following is an entry in ClinVar:

NM_181882.3(PRX):c.2677G>A (p.Glu893Lys)

Gene: PRX (periaxin; minus strand). Cytogenetic location: 19q13.2.
Variant type: single nucleotide variant.
Coding change: c.2677G>A on transcript NM_181882.3 (MANE Select); coding-DNA position 2677, G replaced by A.
Protein change: p.Glu893Lys; replaces glutamic acid 893 with lysine.
Molecular consequence: missense variant. On other transcripts: 3 prime UTR variant (1).
Genome position (GRCh38, 1-based): chr19:40,395,675, C>T on the plus strand (G>A on the coding strand, the complement: PRX is on the minus strand). VCF-style: chr19-40395675-C-T. GRCh37 (hg19) VCF-style: chr19-40901582-C-T.
Other names: c.*2882G>A (NM_020956.2); short protein forms E893K.
Identifiers: ClinVar variation 543317 (VCV000543317.7), dbSNP rs201270794, ClinGen allele CA9444003.

ClinVar aggregate classification (germline): Uncertain significance. Review status: criteria provided, multiple submitters, no conflicts (2 of 4 stars). 2 submissions from 2 submitters: Uncertain significance (2). Last evaluated 2025-02-28.

Conditions:
Charcot-Marie-Tooth disease type 4. Also called: Charcot-Marie-Tooth disease, type IV; Charcot-Marie-Tooth, Type 4. Identifiers: Orphanet 64749, MedGen C4082197, MONDO:0018995.

Allele frequency attached by ClinVar (database versions not stated): ExAC 0.00002; TOPMed 0.00002; gnomAD 0.00003 and 0.00004; gnomAD exomes 0.00003; ESP Exome Variant Server 0.00008.
gnomAD v4.1: 57 of 1,614,070 alleles (0.0035%); highest among the groups gnomAD compares: Non-Finnish European, 0.0043%; no homozygotes.

Submissions (2):

Athena Diagnostics
Classification: Uncertain significance. Last evaluated: 2025-02-28. Review status: criteria provided, single submitter. Criteria: Athena Diagnostics Criteria. Collection method: clinical testing. Allele origin: unknown.
Comment: Available data are insufficient to determine the clinical significance of the variant at this time. The frequency of this variant in the general population is uninformative in assessment of its pathogenicity. Polyphen and MutationTaster yielded discordant predictions regarding whether this amino acid change is damaging to the protein.

Labcorp Genetics (formerly Invitae), Labcorp
Classification: Uncertain significance for Charcot-Marie-Tooth disease type 4. Last evaluated: 2022-02-22. Review status: criteria provided, single submitter. Criteria: Invitae Variant Classification Sherloc (09022015). Collection method: clinical testing. Allele origin: germline.
Comment: In summary, the available evidence is currently insufficient to determine the role of this variant in disease. Therefore, it has been classified as a Variant of Uncertain Significance. Algorithms developed to predict the effect of missense changes on protein structure and function output the following: SIFT: "Tolerated"; PolyPhen-2: "Possibly Damaging"; Align-GVGD: "Class C0". The lysine amino acid residue is found in multiple mammalian species, which suggests that this missense change does not adversely affect protein function. ClinVar contains an entry for this variant (Variation ID: 543317). This variant has not been reported in the literature in individuals affected with PRX-related conditions. This variant is present in population databases (rs201270794, gnomAD 0.007%). This sequence change replaces glutamic acid, which is acidic and polar, with lysine, which is basic and polar, at codon 893 of the PRX protein (p.Glu893Lys).

Literature cited by the submitters: PubMed 25614874 (cited by Athena Diagnostics).